The following is an entry in ClinVar:

ClinVar aggregate classification (germline): Likely pathogenic (1 of 4 stars; one submission).

Conditions:
Nephronophthisis. Also called: Juvenile Nephronophthisis. Identifiers: Orphanet 655, MedGen C0687120, MONDO:0019005, HP:0000090.

Submission:

Labcorp Genetics (formerly Invitae), Labcorp
Classification: Likely pathogenic for Nephronophthisis. Last evaluated: 2023-12-10. Review status: criteria provided, single submitter. Criteria: Invitae Variant Classification Sherloc (09022015). Collection method: clinical testing. Allele origin: germline.
Comment: This sequence change affects an acceptor splice site in intron 7 of the INVS gene. It is expected to disrupt RNA splicing. Variants that disrupt the donor or acceptor splice site typically lead to a loss of protein function (PMID: 16199547), and loss-of-function variants in INVS are known to be pathogenic (PMID: 12872123). This variant is not present in population databases (gnomAD no frequency). This variant has not been reported in the literature in individuals affected with INVS-related conditions. Algorithms developed to predict the effect of sequence changes on RNA splicing suggest that this variant may disrupt the consensus splice site. In summary, the currently available evidence indicates that the variant is pathogenic, but additional data are needed to prove that conclusively. Therefore, this variant has been classified as Likely Pathogenic.

Literature cited by the submitters: PubMed 16199547; PubMed 12872123.

NM_014425.5(INVS):c.907-1G>A

Gene: INVS (inversin; plus strand). Cytogenetic location: 9q31.1.
Variant type: single nucleotide variant.
Coding change: c.907-1G>A on transcript NM_014425.5 (MANE Select); the canonical splice acceptor site of the intron before coding-DNA position 907, G replaced by A.
Molecular consequence: splice acceptor variant. On other transcripts: 5 prime UTR variant (1).
Genome position (GRCh38, 1-based): chr9:100,246,615, G>A. VCF-style: chr9-100246615-G-A. GRCh37 (hg19) VCF-style: chr9-103008897-G-A.
Other names: c.-73G>A (NM_001318382.2); c.619-1G>A (NM_001318381.2).
Identifiers: ClinVar variation 2745698 (VCV002745698.3), dbSNP rs2491256806, ClinGen allele CA374363301.